The following is an entry in ClinVar:

NM_001367624.2(ZNF469):c.6115T>G (p.Cys2039Gly)

Gene: ZNF469 (zinc finger protein 469; plus strand). Cytogenetic location: 16q24.2.
Variant type: single nucleotide variant.
Coding change: c.6115T>G on transcript NM_001367624.2 (MANE Select); coding-DNA position 6115, T replaced by G.
Protein change: p.Cys2039Gly; replaces cysteine 2039 with glycine.
Molecular consequence: missense variant.
Genome position (GRCh38, 1-based): chr16:88,433,585, T>G. VCF-style: chr16-88433585-T-G. GRCh37 (hg19) VCF-style: chr16-88499993-T-G.
Other names: NM_001127464.1:c.6031T>G; short protein forms C2039G.
Identifiers: ClinVar variation 1751187 (VCV001751187.3), dbSNP rs1375255779, ClinGen allele CA397103975.

ClinVar aggregate classification (germline): Uncertain significance. Review status: criteria provided, multiple submitters, no conflicts (2 of 4 stars). 2 submissions from 2 submitters: Uncertain significance (2). Last evaluated 2022-10-13.

Conditions:
Cardiovascular phenotype. Identifiers: MedGen CN230736.

Allele frequency attached by ClinVar (database versions not stated): gnomAD exomes below 0.00001.
gnomAD v4.1: 1 of 1,550,078 alleles (0.000065%); highest among the groups gnomAD compares: East Asian, 0.0024%; no homozygotes.

Submissions (2):

GeneDx
Classification: Uncertain significance. Last evaluated: 2022-10-13. Review status: criteria provided, single submitter. Criteria: GeneDx Variant Classification Process June 2021. Collection method: clinical testing. Allele origin: germline. Affected: yes.
Comment: Not observed at significant frequency in large population cohorts (gnomAD); In silico analysis supports that this missense variant does not alter protein structure/function; Has not been previously published as pathogenic or benign to our knowledge

Ambry Genetics
Classification: Uncertain significance for Cardiovascular phenotype. Last evaluated: 2022-01-02. Review status: criteria provided, single submitter. Criteria: Ambry Variant Classification Scheme 2023. Collection method: clinical testing. Allele origin: germline.
Comment: The p.C2011G variant (also known as c.6031T>G), located in coding exon 2 of the ZNF469 gene, results from a T to G substitution at nucleotide position 6031. The cysteine at codon 2011 is replaced by glycine, an amino acid with highly dissimilar properties. This amino acid position is conserved. In addition, this alteration is predicted to be tolerated by in silico analysis. Since supporting evidence is limited at this time, the clinical significance of this alteration remains unclear.